The following is an entry in ClinVar:

ClinVar aggregate classification (germline): Uncertain significance (1 of 4 stars; one submission).

Conditions:
Holoprosencephaly 9 (HPE9). Also called: HOLOPROSENCEPHALY WITH MICROPHTHALMIA AND FIRST BRANCHIAL ARCH ANOMALIES; PITUITARY ANOMALIES WITH HOLOPROSENCEPHALY-LIKE FEATURES. Identifiers: Orphanet 2162, MedGen C1835819, MONDO:0012563, OMIM 610829.

Submission:

Neuberg Centre For Genomic Medicine, NCGM
Classification: Uncertain significance for Holoprosencephaly 9. Review status: criteria provided, single submitter. Criteria: ACMG Guidelines, 2015. Collection method: clinical testing. Allele origin: germline. Inheritance: Autosomal dominant inheritance. Affected: yes.
Comment: The missense variant p.Q1151R in GLI2 (NM_001374353.1) has not been scored for any ACMG criteria, and has not been reported previously as a pathogenic variant nor as a benign variant, to our knowledge. The p.Q1151R variant is novel (not in any individuals) in gnomAD Exomes and is novel (not in any individuals) in 1000 Genomes. The missense variant c.3452A>G (p.Q1151R) in GLI2 (NM_001374353.1) is not observed in the large population cohorts of the gnomAD and 1000 Genomes datasets (Exome Aggregation Consortium et al., 2016; 1000 Genomes Consortium et al., 2015). Based on the above evidences, the variant has been classified as Uncertain Significance.

NM_001374353.1(GLI2):c.3452A>G (p.Gln1151Arg)

Gene: GLI2 (GLI family zinc finger 2; plus strand). Cytogenetic location: 2q14.2.
Variant type: single nucleotide variant.
Coding change: c.3452A>G on transcript NM_001374353.1 (MANE Select); coding-DNA position 3452, A replaced by G.
Protein change: p.Gln1151Arg; replaces glutamine 1151 with arginine.
Molecular consequence: missense variant.
Genome position (GRCh38, 1-based): chr2:120,989,417, A>G. VCF-style: chr2-120989417-A-G. GRCh37 (hg19) VCF-style: chr2-121746993-A-G.
Other names: c.3503A>G, p.Gln1168Arg (NM_001371271.1, NM_005270.5); c.3077A>G, p.Gln1026Arg (NM_001374354.1); short protein forms Q1026R, Q1151R, Q1168R.
Identifiers: ClinVar variation 2627509 (VCV002627509.1), dbSNP rs2467778263, ClinGen allele CA348174450.